The following is an entry in ClinVar:

NM_174936.4(PCSK9):c.1863+12C>T

Gene: PCSK9 (proprotein convertase subtilisin/kexin type 9; plus strand). Cytogenetic location: 1p32.3.
Variant type: single nucleotide variant.
Coding change: c.1863+12C>T on transcript NM_174936.4 (MANE Select); 12 bases into the intron after coding-DNA position 1863, C replaced by T.
Molecular consequence: intron variant.
Genome position (GRCh38, 1-based): chr1:55,061,568, C>T. VCF-style: chr1-55061568-C-T. GRCh37 (hg19) VCF-style: chr1-55527241-C-T.
Identifiers: ClinVar variation 517779 (VCV000517779.6), dbSNP rs776658758, ClinGen allele CA039178.

ClinVar aggregate classification (germline): Likely benign. Review status: criteria provided, multiple submitters, no conflicts (2 of 4 stars). 2 submissions from 2 submitters: Likely benign (2). Last evaluated 2025-09-03.

Conditions:
Hypercholesterolemia, autosomal dominant, 3 (FHCL3). Also called: Familial Hypercholesterolemia, Autosomal Dominant, 3; Familial hypercholesterolemia 3; PCSK9-Related Familial Hypercholesterolemia, Autosomal Dominant. Identifiers: MedGen C1863551, MONDO:0011369, OMIM 603776.

Allele frequency attached by ClinVar (database versions not stated): gnomAD 0.00001 and 0.00003; gnomAD exomes 0.00002; TOPMed 0.00002; ExAC 0.00005.
gnomAD v4.1: 29 of 1,583,518 alleles (0.0018%); highest among the groups gnomAD compares: African/African-American, 0.011%; no homozygotes.

Submissions (2):

Labcorp Genetics (formerly Invitae), Labcorp
Classification: Likely benign for Hypercholesterolemia, autosomal dominant, 3. Last evaluated: 2025-09-03. Review status: criteria provided, single submitter. Criteria: Invitae Variant Classification Sherloc (09022015). Collection method: clinical testing. Allele origin: germline.

GeneDx
Classification: Likely benign. Last evaluated: 2017-03-08. Review status: criteria provided, single submitter. Criteria: GeneDx Variant Classification (06012015). Collection method: clinical testing. Allele origin: germline. Affected: yes.
Comment: This variant is considered likely benign or benign based on one or more of the following criteria: it is a conservative change, it occurs at a poorly conserved position in the protein, it is predicted to be benign by multiple in silico algorithms, and/or has population frequency not consistent with disease.